The following is an entry in ClinVar:

ClinVar aggregate classification (germline): Conflicting classifications of pathogenicity. Review status: criteria provided, conflicting classifications (1 of 4 stars). 5 submissions from 5 submitters: Uncertain significance (1); Likely benign (4). Last evaluated 2025-10-26.

Conditions:
TTN-related disorder. Also called: TTN-related condition; TTN-related disease; TTN-related disorders.
Cardiovascular phenotype. Identifiers: MedGen CN230736.
Autosomal recessive limb-girdle muscular dystrophy type 2J (LGMDR10). Also called: Limb-girdle muscular dystrophy, type 2J; MUSCULAR DYSTROPHY, LIMB-GIRDLE, AUTOSOMAL RECESSIVE 10. Identifiers: Orphanet 140922, MedGen C1837342, MONDO:0012127, OMIM 608807.
Dilated cardiomyopathy 1G (CMD1G). Identifiers: Orphanet 154, MedGen C1858763, MONDO:0011400, OMIM 604145.

Allele frequency attached by ClinVar (database versions not stated): gnomAD 0.00001; gnomAD exomes 0.00001 and 0.00002; TOPMed 0.00001; ExAC 0.00002.
gnomAD v4.1: 14 of 1,613,900 alleles (0.00087%); highest among the groups gnomAD compares: Admixed American, 0.0033%; no homozygotes.

Submissions (5):

Labcorp Genetics (formerly Invitae), Labcorp
Classification: Likely benign for Dilated cardiomyopathy 1G; Autosomal recessive limb-girdle muscular dystrophy type 2J. Last evaluated: 2025-10-26. Review status: criteria provided, single submitter. Criteria: Invitae Variant Classification Sherloc (09022015). Collection method: clinical testing. Allele origin: germline.

PreventionGenetics, part of Exact Sciences
Classification: Likely benign for TTN-related condition. Last evaluated: 2025-09-03. Review status: criteria provided, single submitter. Criteria: ACMG Guidelines, 2015. Collection method: clinical testing. Allele origin: germline.
Comment: This variant is classified as likely benign based on ACMG/AMP sequence variant interpretation guidelines (Richards et al. 2015 PMID: 25741868, with internal and published modifications).

Ambry Genetics
Classification: Likely benign for Cardiovascular phenotype. Last evaluated: 2024-03-27. Review status: criteria provided, single submitter. Criteria: Ambry Variant Classification Scheme 2023. Collection method: clinical testing. Allele origin: germline.

Blueprint Genetics
Classification: Likely benign. Last evaluated: 2023-08-11. Review status: criteria provided, single submitter. Criteria: ACMG Guidelines, 2015. Collection method: clinical testing. Allele origin: germline.

Revvity Omics, Revvity
Classification: Uncertain significance. Last evaluated: 2019-01-17. Review status: criteria provided, single submitter. Criteria: ACMG Guidelines, 2015. Collection method: clinical testing. Allele origin: germline.

NM_001267550.2(TTN):c.104250T>C (p.His34750=)

Genes: TTN (titin; minus strand), TTN-AS1 (TTN antisense RNA 1; plus strand). Cytogenetic location: 2q31.2.
Variant type: single nucleotide variant.
Coding change: c.104250T>C on transcript NM_001267550.2 (MANE Select); coding-DNA position 104250, T replaced by C.
Protein change: p.His34750=; no amino-acid change (histidine 34750 retained).
Molecular consequence: synonymous variant.
Genome position (GRCh38, 1-based): chr2:178,532,365, A>G on the plus strand (T>C on the coding strand, the complement: TTN is on the minus strand). VCF-style: chr2-178532365-A-G. GRCh37 (hg19) VCF-style: chr2-179397092-A-G.
Other names: c.99327T>C, p.His33109= (NM_001256850.1); c.77055T>C, p.His25685= (NM_003319.4); c.96546T>C, p.His32182= (NM_133378.4); c.77430T>C, p.His25810= (NM_133432.3); c.77631T>C, p.His25877= (NM_133437.4).
Identifiers: ClinVar variation 1126598 (VCV001126598.14), dbSNP rs745463889, ClinGen allele CA1985453.
Genomic context (GRCh38, chr2:178,532,365, plus strand): 5'-ATCCTCCCTCTCAGCCATGATTCTTTGCCGTTGCTTTGGCTGTCTGTACGCAGCCTGGGC[A>G]TGCCGTTCCCTCAGTTCTGCATAACTTGTACTAGCTTCAGCCTTCGTTGGGATGTGATAG-3'
Protein context (NP_001254479.2, residues 34740-34760): STSYAELRER[His34750=]AQAAYRQPKQ